The following is an entry in ClinVar:

ClinVar aggregate classification (germline): Uncertain significance (1 of 4 stars; one submission).

Conditions:
Autoimmune lymphoproliferative syndrome type 1. Also called: AUTOIMMUNE LYMPHOPROLIFERATIVE SYNDROME, TYPE I, AUTOSOMAL DOMINANT. Identifiers: Orphanet 3261, MedGen C2717884, MONDO:0011158, OMIM 601859.

Allele frequency attached by ClinVar (database versions not stated): gnomAD exomes below 0.00001; gnomAD 0.00001.
gnomAD v4.1: 2 of 1,614,034 alleles (0.00012%); highest among the groups gnomAD compares: South Asian, 0.0022%; no homozygotes.

Submission:

Labcorp Genetics (formerly Invitae), Labcorp
Classification: Uncertain significance for Autoimmune lymphoproliferative syndrome. Last evaluated: 2026-01-11. Review status: criteria provided, single submitter. Criteria: Invitae Variant Classification Sherloc (09022015). Collection method: clinical testing. Allele origin: germline.
Comment: This sequence change replaces threonine, which is neutral and polar, with proline, which is neutral and non-polar, at codon 46 of the FAS protein (p.Thr46Pro). This variant is present in population databases (no rsID available, gnomAD no frequency). This variant has not been reported in the literature in individuals affected with FAS-related conditions. ClinVar contains an entry for this variant (Variation ID: 2836853). An algorithm developed to predict the effect of missense changes on protein structure and function outputs the following: PolyPhen-2: "Benign". The proline amino acid residue is found in multiple mammalian species, which suggests that this missense change does not adversely affect protein function. In summary, the available evidence is currently insufficient to determine the role of this variant in disease. Therefore, it has been classified as a Variant of Uncertain Significance.

NM_000043.6(FAS):c.136A>C (p.Thr46Pro)

Gene: FAS (Fas cell surface death receptor; plus strand). Cytogenetic location: 10q23.31.
Variant type: single nucleotide variant.
Coding change: c.136A>C on transcript NM_000043.6 (MANE Select); coding-DNA position 136, A replaced by C.
Protein change: p.Thr46Pro; replaces threonine 46 with proline.
Molecular consequence: missense variant. On other transcripts: non-coding transcript variant (7).
Genome position (GRCh38, 1-based): chr10:89,003,134, A>C. VCF-style: chr10-89003134-A-C. GRCh37 (hg19) VCF-style: chr10-90762891-A-C.
Other names: c.136A>C, p.Thr46Pro (NM_001320619.2, NM_152871.4, NM_152872.4); c.181A>C, p.Thr61Pro (NM_001410956.1); short protein forms T46P, T61P.
Identifiers: ClinVar variation 2836853 (VCV002836853.3), dbSNP rs1286527065, ClinGen allele CA377507577.
Genomic context (GRCh38, chr10:89,003,134, plus strand): 5'-CAAGTGACTGACATCAACTCCAAGGGATTGGAATTGAGGAAGACTGTTACTACAGTTGAG[A>C]CTCAGAACTTGGAAGGCCTGCATCATGATGGCCAATTCTGCCATAAGCCCTGTCCTCCAG-3'
Protein context (NP_000034.1, residues 36-56): ELRKTVTTVE[Thr46Pro]QNLEGLHHDG